The following is an entry in ClinVar:

NM_018444.4(PDP1):c.1130A>G (p.Asn377Ser)

Gene: PDP1 (pyruvate dehydrogenase phosphatase catalytic subunit 1; plus strand). Cytogenetic location: 8q22.1.
Variant type: single nucleotide variant.
Coding change: c.1130A>G on transcript NM_018444.4 (MANE Select); coding-DNA position 1130, A replaced by G.
Protein change: p.Asn377Ser; replaces asparagine 377 with serine.
Molecular consequence: missense variant.
Genome position (GRCh38, 1-based): chr8:93,923,189, A>G. VCF-style: chr8-93923189-A-G. GRCh37 (hg19) VCF-style: chr8-94935417-A-G.
Other names: c.1130A>G (NM_018444.3); c.1205A>G, p.Asn402Ser (NM_001161779.2, NM_001161780.2); c.1130A>G, p.Asn377Ser (NM_001161781.2); short protein forms N402S, N377S.
Identifiers: ClinVar variation 2190521 (VCV002190521.5), dbSNP rs780930808, ClinGen allele CA4808783.

ClinVar aggregate classification (germline): Uncertain significance. Review status: criteria provided, multiple submitters, no conflicts (2 of 4 stars). 2 submissions from 2 submitters: Uncertain significance (2). Last evaluated 2024-01-17.

Conditions:
Inborn genetic diseases. Identifiers: MedGen C0950123, MeSH D030342.

Allele frequency attached by ClinVar (database versions not stated): gnomAD exomes below 0.00001; ExAC 0.00001; TOPMed 0.00008; gnomAD 0.00009.

Submissions (2):

Ambry Genetics
Classification: Uncertain significance for Inborn genetic diseases. Last evaluated: 2024-01-17. Review status: criteria provided, single submitter. Criteria: Ambry Variant Classification Scheme 2023. Collection method: clinical testing. Allele origin: germline.

Labcorp Genetics (formerly Invitae), Labcorp
Classification: Uncertain significance. Last evaluated: 2023-03-10. Review status: criteria provided, single submitter. Criteria: Invitae Variant Classification Sherloc (09022015). Collection method: clinical testing. Allele origin: germline.
Comment: This sequence change replaces asparagine, which is neutral and polar, with serine, which is neutral and polar, at codon 377 of the PDP1 protein (p.Asn377Ser). This variant is present in population databases (rs780930808, gnomAD 0.01%). This variant has not been reported in the literature in individuals affected with PDP1-related conditions. ClinVar contains an entry for this variant (Variation ID: 2190521). An algorithm developed to predict the effect of missense changes on protein structure and function (PolyPhen-2) suggests that this variant is likely to be tolerated. In summary, the available evidence is currently insufficient to determine the role of this variant in disease. Therefore, it has been classified as a Variant of Uncertain Significance.